The following is an entry in ClinVar:

ClinVar aggregate classification (germline): Uncertain significance. Review status: criteria provided, single submitter (1 of 4 stars). 2 submissions from 2 submitters: Uncertain significance (1). 1 of the submissions does not count toward it. Last evaluated 2023-08-14.

Conditions:
Inborn genetic diseases. Identifiers: MedGen C0950123, MeSH D030342.
SPTBN1-related disorder. Also called: SPTBN1-related condition.

Allele frequency attached by ClinVar (database versions not stated): ExAC 0.00001; TOPMed 0.00001.
gnomAD v4.1: 1 of 1,613,842 alleles (0.000062%); highest among the groups gnomAD compares: Non-Finnish European, 0.000085%; no homozygotes.

Submissions (2):

Ambry Genetics
Classification: Uncertain significance for Inborn genetic diseases. Last evaluated: 2023-08-14. Review status: criteria provided, single submitter. Criteria: Ambry Variant Classification Scheme 2023. Collection method: clinical testing. Allele origin: germline.

PreventionGenetics, part of Exact Sciences
Classification: Uncertain significance for SPTBN1-related condition. Last evaluated: 2024-08-02. Review status: no assertion criteria provided. Collection method: clinical testing. Allele origin: germline. Not counted in ClinVar's aggregate classification.
Comment: The SPTBN1 c.6457G>A variant is predicted to result in the amino acid substitution p.Gly2153Ser. To our knowledge, this variant has not been reported in the literature. This variant is reported in 0.00089% of alleles in individuals of European (Non-Finnish) descent in gnomAD. At this time, the clinical significance of this variant is uncertain due to the absence of conclusive functional and genetic evidence.

NM_003128.3(SPTBN1):c.6457G>A (p.Gly2153Ser)

Genes: SPTBN1 (spectrin beta, non-erythrocytic 1; plus strand), SPTBN1-AS2 (SPTBN1 antisense RNA 2; minus strand). Cytogenetic location: 2p16.2.
Variant type: single nucleotide variant.
Coding change: c.6457G>A on transcript NM_003128.3 (MANE Select); coding-DNA position 6457, G replaced by A.
Protein change: p.Gly2153Ser; replaces glycine 2153 with serine.
Molecular consequence: missense variant.
Genome position (GRCh38, 1-based): chr2:54,664,489, G>A. VCF-style: chr2-54664489-G-A. GRCh37 (hg19) VCF-style: chr2-54891626-G-A.
Other names: short protein forms G2153S.
Identifiers: ClinVar variation 2618311 (VCV002618311.3), dbSNP rs766249399, ClinGen allele CA1661738.